The following is an entry in ClinVar:

NM_015047.3(EMC1):c.2048G>A (p.Gly683Glu)

Genes: EMC1 (ER membrane protein complex subunit 1; minus strand), EMC1-AS1 (EMC1 antisense RNA 1; plus strand). Cytogenetic location: 1p36.13.
Variant type: single nucleotide variant.
Coding change: c.2048G>A on transcript NM_015047.3 (MANE Select); coding-DNA position 2048, G replaced by A.
Protein change: p.Gly683Glu; replaces glycine 683 with glutamic acid.
Molecular consequence: missense variant.
Genome position (GRCh38, 1-based): chr1:19,230,860, C>T on the plus strand (G>A on the coding strand, the complement: EMC1 is on the minus strand). VCF-style: chr1-19230860-C-T. GRCh37 (hg19) VCF-style: chr1-19557354-C-T.
Other names: c.2045G>A, p.Gly682Glu (NM_001271427.2, NM_001271428.2); c.1982G>A, p.Gly661Glu (NM_001271429.2); c.2057G>A, p.Gly686Glu (NM_001375820.1); c.2054G>A, p.Gly685Glu (NM_001375821.1); short protein forms G686E, G661E, G682E, G683E, G685E.
Identifiers: ClinVar variation 1524413 (VCV001524413.7), dbSNP rs2151947387, ClinGen allele CA338758262.

ClinVar aggregate classification (germline): Uncertain significance. Review status: criteria provided, multiple submitters, no conflicts (2 of 4 stars). 2 submissions from 2 submitters: Uncertain significance (2). Last evaluated 2021-10-11.

Conditions:
Cerebellar atrophy, visual impairment, and psychomotor retardation;. Also called: Cerebellar atrophy, visual impairment, and psychomotor retardation. Identifiers: MedGen C4225172, MONDO:0014811, OMIM 616875.

Submissions (2):

Labcorp Genetics (formerly Invitae), Labcorp
Classification: Uncertain significance. Last evaluated: 2021-10-11. Review status: criteria provided, single submitter. Criteria: Invitae Variant Classification Sherloc (09022015). Collection method: clinical testing. Allele origin: germline.
Comment: In summary, the available evidence is currently insufficient to determine the role of this variant in disease. Therefore, it has been classified as a Variant of Uncertain Significance. Algorithms developed to predict the effect of missense changes on protein structure and function (SIFT, PolyPhen-2, Align-GVGD) all suggest that this variant is likely to be disruptive. This variant has not been reported in the literature in individuals affected with EMC1-related conditions. This variant is not present in population databases (gnomAD no frequency). This sequence change replaces glycine, which is neutral and non-polar, with glutamic acid, which is acidic and polar, at codon 683 of the EMC1 protein (p.Gly683Glu).

Victorian Clinical Genetics Services, Murdoch Childrens Research Institute
Classification: Uncertain significance for Cerebellar atrophy, visual impairment, and psychomotor retardation;. Last evaluated: 2021-05-06. Review status: criteria provided, single submitter. Criteria: ACMG Guidelines, 2015. Collection method: clinical testing. Allele origin: germline. Inheritance: Autosomal recessive inheritance. Affected: yes.
Comment: Based on the classification scheme VCGS_Germline_v1.3.4, this variant is classified as VUS-3A. Following criteria are met: 0102 - Loss of function is a known mechanism of disease in this gene and is associated with cerebellar atrophy, visual impairment, and psychomotor retardation (MIM#616875). (I) 0106 - This gene is associated with autosomal recessive disease. However, one de novo missense variant has been reported in an individual with global developmental delay, hypotonia, scoliosis, and cerebellar atrophy (PMID: 26942288). (I) 0200 - Variant is predicted to result in a missense amino acid change from glycine to glutamic acid. (I) 0251 - This variant is heterozygous. (I) 0301 - Variant is absent from gnomAD (both v2 and v3). (SP) 0502 - Missense variant with conflicting in silico predictions and uninformative conservation. (I) 0604 - Variant is not located in an established domain, motif, hotspot or informative constraint region. (I) 0705 - No comparable missense variants have previous evidence for pathogenicity. (I) 0807 - This variant has no previous evidence of pathogenicity. (I) 0905 - No published segregation evidence has been identified for this variant. (I) 1007 - No published functional evidence has been identified for this variant. (I) 1208 - Inheritance information for this variant is not currently available in this individual. (I) Legend: (SP) - Supporting pathogenic, (I) - Information, (SB) - Supporting benign

Literature cited by the submitters: PubMed 26942288 (cited by Victorian Clinical Genetics Services, Murdoch Childrens Research Institute).